The following is an entry in ClinVar:

ClinVar aggregate classification (germline): Uncertain significance (1 of 4 stars; one submission).

Allele frequency attached by ClinVar (database versions not stated): gnomAD exomes below 0.00001; ExAC 0.00001.
gnomAD v4.1: 3 of 1,614,184 alleles (0.00019%); highest among the groups gnomAD compares: Non-Finnish European, 0.00025%; no homozygotes.

Submission:

Labcorp Genetics (formerly Invitae), Labcorp
Classification: Uncertain significance. Last evaluated: 2022-03-01. Review status: criteria provided, single submitter. Criteria: Invitae Variant Classification Sherloc (09022015). Collection method: clinical testing. Allele origin: germline.
Comment: This sequence change replaces alanine, which is neutral and non-polar, with valine, which is neutral and non-polar, at codon 248 of the CD40 protein (p.Ala248Val). This variant is present in population databases (rs751437274, gnomAD 0.002%). This variant has not been reported in the literature in individuals affected with CD40-related conditions. Algorithms developed to predict the effect of missense changes on protein structure and function output the following: SIFT: "Tolerated"; PolyPhen-2: "Benign"; Align-GVGD: "Class C0". The valine amino acid residue is found in multiple mammalian species, which suggests that this missense change does not adversely affect protein function. In summary, the available evidence is currently insufficient to determine the role of this variant in disease. Therefore, it has been classified as a Variant of Uncertain Significance.

NM_001250.6(CD40):c.743C>T (p.Ala248Val)

Gene: CD40 (CD40 molecule; plus strand). Cytogenetic location: 20q13.12.
Variant type: single nucleotide variant.
Coding change: c.743C>T on transcript NM_001250.6 (MANE Select); coding-DNA position 743, C replaced by T.
Protein change: p.Ala248Val; replaces alanine 248 with valine.
Molecular consequence: missense variant. On other transcripts: 3 prime UTR variant (3), non-coding transcript variant (2).
Genome position (GRCh38, 1-based): chr20:46,128,949, C>T. VCF-style: chr20-46128949-C-T. GRCh37 (hg19) VCF-style: chr20-44757588-C-T.
Other names: c.*69C>T (NM_001302753.2, NM_001362758.2, NM_152854.4); c.755C>T, p.Ala252Val (NM_001322421.2); c.587C>T, p.Ala196Val (NM_001322422.2); short protein forms A196V, A248V, A252V.
Identifiers: ClinVar variation 2105176 (VCV002105176.1), dbSNP rs751437274, ClinGen allele CA9888663.